The following is an entry in ClinVar:

NM_022124.6(CDH23):c.4206+61T>A

Genes: C10orf105 (chromosome 10 open reading frame 105; minus strand), CDH23 (cadherin related 23; plus strand). Cytogenetic location: 10q22.1.
Variant type: single nucleotide variant.
Coding change: c.4206+61T>A on transcript NM_022124.6 (MANE Select); 61 bases into the intron after coding-DNA position 4206, T replaced by A.
Molecular consequence: intron variant.
Genome position (GRCh38, 1-based): chr10:71,734,402, T>A. VCF-style: chr10-71734402-T-A. GRCh37 (hg19) VCF-style: chr10-73494159-T-A.
Other names: c.-6+3326A>T (NM_001168390.2).
Identifiers: ClinVar variation 670326 (VCV000670326.7), dbSNP rs1227062, ClinGen allele CA13282658.

ClinVar aggregate classification (germline): Benign. Review status: criteria provided, multiple submitters, no conflicts (2 of 4 stars). 4 submissions from 3 submitters: Benign (4). Last evaluated 2021-07-01.

Conditions:
Autosomal recessive nonsyndromic hearing loss 12. Also called: DEAFNESS, AUTOSOMAL RECESSIVE 12. Identifiers: Orphanet 90636, MedGen C1832394, MONDO:0011067, OMIM 601386.
Usher syndrome type 1D (USH1D). Also called: USHER SYNDROME, TYPE ID. Identifiers: Orphanet 231169, Orphanet 886, MedGen C1832845, MONDO:0010984, OMIM 601067.

Allele frequency attached by ClinVar (database versions not stated): 1000 Genomes Project 0.76098; gnomAD 0.77967 and 0.78053; gnomAD exomes 0.80560; 1000 Genomes Project 30x 0.75500; TOPMed 0.78180.
gnomAD v4.1: 1,231,582 of 1,533,586 alleles (80%); highest among the groups gnomAD compares: East Asian, 83%; 495,384 homozygotes.

Submissions (4):

Genome-Nilou Lab
Classification: Benign for Usher syndrome type 1D. Last evaluated: 2021-07-01. Review status: criteria provided, single submitter. Criteria: ACMG Guidelines, 2015. Collection method: clinical testing. Allele origin: germline. Affected: no.

Genome-Nilou Lab
Classification: Benign for Autosomal recessive nonsyndromic hearing loss 12. Last evaluated: 2021-07-01. Review status: criteria provided, single submitter. Criteria: ACMG Guidelines, 2015. Collection method: clinical testing. Allele origin: germline. Affected: no.

GeneDx
Classification: Benign. Last evaluated: 2018-06-13. Review status: criteria provided, single submitter. Criteria: GeneDx Variant Classification (06012015). Collection method: clinical testing. Allele origin: germline. Affected: yes.
Comment: This variant is considered likely benign or benign based on one or more of the following criteria: it is a conservative change, it occurs at a poorly conserved position in the protein, it is predicted to be benign by multiple in silico algorithms, and/or has population frequency not consistent with disease.

Breakthrough Genomics
Classification: Benign. Review status: criteria provided, single submitter. Criteria: ACMG Guidelines, 2015. Collection method: not provided. Allele origin: germline. Inheritance: Autosomal recessive inheritance. Affected: yes.